The following is an entry in ClinVar:

NM_003000.3(SDHB):c.517T>C (p.Ser173Pro)

Gene: SDHB (succinate dehydrogenase complex iron sulfur subunit B; minus strand). Cytogenetic location: 1p36.13.
Variant type: single nucleotide variant.
Coding change: c.517T>C on transcript NM_003000.3 (MANE Select); coding-DNA position 517, T replaced by C.
Protein change: p.Ser173Pro; replaces serine 173 with proline.
Molecular consequence: missense variant.
Genome position (GRCh38, 1-based): chr1:17,027,772, A>G on the plus strand (T>C on the coding strand, the complement: SDHB is on the minus strand). VCF-style: chr1-17027772-A-G. GRCh37 (hg19) VCF-style: chr1-17354267-A-G.
Other names: short protein forms S173P.
Identifiers: ClinVar variation 1053654 (VCV001053654.8), dbSNP rs2077999499, ClinGen allele CA338272544.

ClinVar aggregate classification (germline): Uncertain significance. Review status: criteria provided, multiple submitters, no conflicts (2 of 4 stars). 2 submissions from 2 submitters: Uncertain significance (2). Last evaluated 2026-04-03.

Conditions:
Pheochromocytoma. Also called: MAX-Related Hereditary Paraganglioma-Pheochromocytoma Syndrome. Identifiers: Orphanet 29072, MedGen C0031511, MONDO:0008233, OMIM 171300, HP:0002666.
Gastrointestinal stromal tumor. Also called: Gastrointestinal stromal tumor, somatic; Gastrointestinal stroma tumor. Identifiers: Orphanet 44890, MedGen C0238198, MeSH D046152, MONDO:0011719, OMIM 606764, HP:0100723.
Pheochromocytoma/paraganglioma syndrome 4. Also called: CAROTID BODY TUMORS AND MULTIPLE EXTRAADRENAL PHEOCHROMOCYTOMAS; SDHB-Related Hereditary Paraganglioma-Pheochromocytoma Syndrome (Paragangliomas 4); Paragangliomas 4; SDHB-Related Hereditary Paraganglioma-Pheochromocytoma Syndrome; PARAGANGLIOMA, FAMILIAL MALIGNANT; PARAGANGLIOMAS, HEREDITARY EXTRAADRENAL. Identifiers: Orphanet 29072, MedGen C1861848, MONDO:0007273, OMIM 115310.
Hereditary cancer-predisposing syndrome. Also called: Tumor predisposition; Neoplastic Syndromes, Hereditary; Hereditary neoplastic syndrome; Hereditary Cancer Syndrome. Identifiers: Orphanet 140162, MedGen C0027672, MeSH D009386, MONDO:0015356.

Allele frequency attached by ClinVar (database versions not stated): gnomAD exomes below 0.00001; TOPMed below 0.00001.
gnomAD v4.1: 1 of 1,604,336 alleles (0.000062%); highest among the groups gnomAD compares: Admixed American, 0.0017%; no homozygotes.

Submissions (2):

Ambry Genetics
Classification: Uncertain significance for Hereditary cancer-predisposing syndrome. Last evaluated: 2026-04-03. Review status: criteria provided, single submitter. Criteria: Ambry Variant Classification Scheme 2023. Collection method: clinical testing. Allele origin: germline.
Comment: The p.S173P variant (also known as c.517T>C), located in coding exon 5 of the SDHB gene, results from a T to C substitution at nucleotide position 517. The serine at codon 173 is replaced by proline, an amino acid with similar properties. This amino acid position is conserved. In addition, this alteration is predicted to be deleterious by in silico analysis. Based on the available evidence, the clinical significance of this variant remains unclear.

Labcorp Genetics (formerly Invitae), Labcorp
Classification: Uncertain significance for Gastrointestinal stromal tumor; Pheochromocytoma/paraganglioma syndrome 4; Pheochromocytoma. Last evaluated: 2025-10-01. Review status: criteria provided, single submitter. Criteria: Invitae Variant Classification Sherloc (09022015). Collection method: clinical testing. Allele origin: germline.
Comment: This sequence change replaces serine, which is neutral and polar, with proline, which is neutral and non-polar, at codon 173 of the SDHB protein (p.Ser173Pro). This variant is not present in population databases (gnomAD no frequency). This variant has not been reported in the literature in individuals affected with SDHB-related conditions. ClinVar contains an entry for this variant (Variation ID: 1053654). Invitae Evidence Modeling of protein sequence and biophysical properties (such as structural, functional, and spatial information, amino acid conservation, physicochemical variation, residue mobility, and thermodynamic stability) indicates that this missense variant is expected to disrupt SDHB protein function with a positive predictive value of 80%. In summary, the available evidence is currently insufficient to determine the role of this variant in disease. Therefore, it has been classified as a Variant of Uncertain Significance.